The following is an entry in ClinVar:

ClinVar aggregate classification (germline): Uncertain significance (1 of 4 stars; one submission).

Allele frequency attached by ClinVar (database versions not stated): gnomAD exomes 0.00007 and 0.00016; ExAC 0.00012; gnomAD 0.00021 and 0.00023; ESP Exome Variant Server 0.00023; TOPMed 0.00027; 1000 Genomes Project 30x 0.00031; 1000 Genomes Project 0.00040.
gnomAD v4.1: 222 of 1,602,146 alleles (0.014%); highest among the groups gnomAD compares: East Asian, 0.081%; 1 homozygote.

Submission:

Labcorp Genetics (formerly Invitae), Labcorp
Classification: Uncertain significance. Last evaluated: 2025-01-08. Review status: criteria provided, single submitter. Criteria: Invitae Variant Classification Sherloc (09022015). Collection method: clinical testing. Allele origin: germline.
Comment: This sequence change replaces arginine, which is basic and polar, with tryptophan, which is neutral and slightly polar, at codon 116 of the SNIP1 protein (p.Arg116Trp). This variant is present in population databases (rs139950676, gnomAD 0.08%), and has an allele count higher than expected for a pathogenic variant. This variant has not been reported in the literature in individuals affected with SNIP1-related conditions. ClinVar contains an entry for this variant (Variation ID: 1436017). Invitae Evidence Modeling of protein sequence and biophysical properties (such as structural, functional, and spatial information, amino acid conservation, physicochemical variation, residue mobility, and thermodynamic stability) indicates that this missense variant is not expected to disrupt SNIP1 protein function with a negative predictive value of 80%. In summary, the available evidence is currently insufficient to determine the role of this variant in disease. Therefore, it has been classified as a Variant of Uncertain Significance.

NM_024700.4(SNIP1):c.346C>T (p.Arg116Trp)

Genes: SNIP1 (Smad nuclear interacting protein 1; minus strand), LOC126805704 (BRD4-independent group 4 enhancer GRCh37_chr1:38005292-38006491; plus strand). Cytogenetic location: 1p34.3.
Variant type: single nucleotide variant.
Coding change: c.346C>T on transcript NM_024700.4 (MANE Select); coding-DNA position 346, C replaced by T.
Protein change: p.Arg116Trp; replaces arginine 116 with tryptophan.
Molecular consequence: missense variant.
Genome position (GRCh38, 1-based): chr1:37,540,737, G>A on the plus strand (C>T on the coding strand, the complement: SNIP1 is on the minus strand). VCF-style: chr1-37540737-G-A. GRCh37 (hg19) VCF-style: chr1-38006338-G-A.
Other names: short protein forms R116W.
Identifiers: ClinVar variation 1436017 (VCV001436017.5), dbSNP rs139950676, ClinGen allele CA771352.